The following is an entry in ClinVar:

ClinVar aggregate classification (germline): Conflicting classifications of pathogenicity. Review status: criteria provided, conflicting classifications (1 of 4 stars). 8 submissions from 8 submitters: Uncertain significance (4); Benign (2); Likely benign (2). Last evaluated 2025-12-10.

Conditions:
Tuberous sclerosis syndrome (TSC). Also called: Tuberous Sclerosis Complex; Tuberous sclerosis. Identifiers: Orphanet 805, MedGen C0041341, MONDO:0001734.
Tuberous sclerosis 1 (TSC1). Identifiers: Orphanet 805, MedGen C1854465, MONDO:0008612, OMIM 191100.
Hereditary cancer-predisposing syndrome. Also called: Hereditary neoplastic syndrome; Neoplastic Syndromes, Hereditary; Tumor predisposition; Hereditary Cancer Syndrome. Identifiers: Orphanet 140162, MedGen C0027672, MeSH D009386, MONDO:0015356.

Allele frequency attached by ClinVar (database versions not stated): ExAC 0.00001; gnomAD 0.00001 and 0.00002; gnomAD exomes 0.00001 and 0.00002; TOPMed 0.00001; 1000 Genomes Project 30x 0.00016; 1000 Genomes Project 0.00020.
gnomAD v4.1: 28 of 1,614,140 alleles (0.0017%); highest among the groups gnomAD compares: Non-Finnish European, 0.0021%; no homozygotes.

Submissions (8):

Labcorp Genetics (formerly Invitae), Labcorp
Classification: Benign for Tuberous sclerosis 1. Last evaluated: 2025-12-10. Review status: criteria provided, single submitter. Criteria: Invitae Variant Classification Sherloc (09022015). Collection method: clinical testing. Allele origin: germline.

All of Us Research Program, National Institutes of Health
Classification: Uncertain significance for Tuberous sclerosis syndrome. Last evaluated: 2023-12-13. Review status: criteria provided, single submitter. Criteria: ACMG Guidelines, 2015. Collection method: clinical testing. Allele origin: germline. Inheritance: Autosomal dominant inheritance. Observed: 2 variant alleles, 2 heterozygotes.
Comment: This missense variant replaces leucine with valine at codon 439 of the TSC1 protein. Computational prediction suggests that this variant may not impact protein structure and function (internally defined REVEL score threshold <= 0.5, PMID: 27666373). To our knowledge, functional studies have not been reported for this variant. This variant has not been reported in individuals affected with TSC1-related disorders in the literature. This variant has been identified in 3/282750 chromosomes in the general population by the Genome Aggregation Database (gnomAD). The available evidence is insufficient to determine the role of this variant in disease conclusively. Therefore, this variant is classified as a Variant of Uncertain Significance.

This study involves interpretation of variants in research participants for the purpose of population health screening. Participant phenotype was not available at the time of variant classification. Additional details can be found in publication PMID: 35346344, PMCID: PMC8962531

Color Diagnostics, LLC DBA Color Health
Classification: Uncertain significance for Tuberous sclerosis syndrome. Last evaluated: 2023-11-15. Review status: criteria provided, single submitter. Criteria: ACMG Guidelines, 2015. Collection method: clinical testing. Allele origin: germline.
Comment: This missense variant replaces leucine with valine at codon 439 of the TSC1 protein. Computational prediction suggests that this variant may not impact protein structure and function. To our knowledge, functional studies have not been reported for this variant. This variant has not been reported in individuals affected with TSC1-related disorders in the literature. This variant has been identified in 3/282750 chromosomes in the general population by the Genome Aggregation Database (gnomAD). The available evidence is insufficient to determine the role of this variant in disease conclusively. Therefore, this variant is classified as a Variant of Uncertain Significance.

Ambry Genetics
Classification: Benign for Hereditary cancer-predisposing syndrome. Last evaluated: 2023-10-31. Review status: criteria provided, single submitter. Criteria: Ambry Variant Classification Scheme 2023. Collection method: clinical testing. Allele origin: germline.

St. Jude Molecular Pathology, St. Jude Children's Research Hospital
Classification: Uncertain significance for Tuberous sclerosis 1. Last evaluated: 2022-07-11. Review status: criteria provided, single submitter. Criteria: St. Jude Assertion Criteria 2020. Collection method: clinical testing. Allele origin: germline.
Comment: The TSC1 c.1315C>G (p.Leu439Val) missense change has a maximum subpopulation frequency of 0.0023% in gnomAD v2.1.1. The in silico tool REVEL predicts a benign effect on protein function, but to our knowledge this prediction has not been confirmed by functional studies. To our knowledge, this variant has not been reported in individuals with tuberous sclerosis complex. In summary, the evidence currently available is insufficient to determine the clinical significance of this variant. It has therefore been classified as of uncertain significance.

Genome-Nilou Lab
Classification: Likely benign for Tuberous sclerosis 1. Last evaluated: 2021-11-07. Review status: criteria provided, single submitter. Criteria: ACMG Guidelines, 2015. Collection method: clinical testing. Allele origin: germline. Affected: no.

Sema4
Classification: Uncertain significance for Hereditary cancer-predisposing syndrome. Last evaluated: 2021-05-24. Review status: criteria provided, single submitter. Criteria: Sema4 Curation Guidelines. Collection method: curation. Allele origin: germline.
Comment: The TSC1 c.1315C>G (p.L439V) variant has not been reported in the literature to our knowledge. It was observed in 3/129072 chromosomes of the European (non-Finnish) subpopulation in the large and broad cohorts of the Genome Aggregation Database (PMID: 32461654) and has been reported in ClinVar (Variation ID 466024). In silico tools suggest the impact of the variant on protein function is inconclusive, though these predictions have not been confirmed by functional studies. The evidence is insufficient to meet ACMG/AMP criteria for classifying the variant as benign or pathogenic. Thus, the clinical significance of this variant is currently uncertain.

GeneDx
Classification: Likely benign. Last evaluated: 2020-11-20. Review status: criteria provided, single submitter. Criteria: GeneDx Variant Classification Process June 2021. Collection method: clinical testing. Allele origin: germline. Affected: yes.

NM_000368.5(TSC1):c.1315C>G (p.Leu439Val)

Gene: TSC1 (TSC complex subunit 1; minus strand). Cytogenetic location: 9q34.13.
Variant type: single nucleotide variant.
Coding change: c.1315C>G on transcript NM_000368.5 (MANE Select); coding-DNA position 1315, C replaced by G.
Protein change: p.Leu439Val; replaces leucine 439 with valine.
Molecular consequence: missense variant.
Genome position (GRCh38, 1-based): chr9:132,907,319, G>C on the plus strand (C>G on the coding strand, the complement: TSC1 is on the minus strand). VCF-style: chr9-132907319-G-C. GRCh37 (hg19) VCF-style: chr9-135782706-G-C.
Other names: c.1312C>G, p.Leu438Val (NM_001162426.2); c.1162C>G, p.Leu388Val (NM_001162427.2); c.952C>G, p.Leu318Val (NM_001362177.2); short protein forms L439V, L388V, L438V, L318V.
Identifiers: ClinVar variation 466024 (VCV000466024.24), dbSNP rs199800297, ClinGen allele CA028025.